The following is an entry in ClinVar:

NM_015466.4(PTPN23):c.4784G>A (p.Arg1595Gln)

Gene: PTPN23 (protein tyrosine phosphatase non-receptor type 23; plus strand). Cytogenetic location: 3p21.31.
Variant type: single nucleotide variant.
Coding change: c.4784G>A on transcript NM_015466.4 (MANE Select); coding-DNA position 4784, G replaced by A.
Protein change: p.Arg1595Gln; replaces arginine 1595 with glutamine.
Molecular consequence: missense variant.
Genome position (GRCh38, 1-based): chr3:47,413,058, G>A. VCF-style: chr3-47413058-G-A. GRCh37 (hg19) VCF-style: chr3-47454548-G-A.
Other names: c.4406G>A, p.Arg1469Gln (NM_001304482.2); short protein forms R1469Q, R1595Q.
Identifiers: ClinVar variation 1510266 (VCV001510266.4), dbSNP rs565230778, ClinGen allele CA2366705.

ClinVar aggregate classification (germline): Uncertain significance (1 of 4 stars; one submission).

Allele frequency attached by ClinVar (database versions not stated): gnomAD 0.00001; TOPMed 0.00002.
gnomAD v4.1: 72 of 1,612,826 alleles (0.0045%); highest among the groups gnomAD compares: East Asian, 0.011%; no homozygotes.

Submission:

Labcorp Genetics (formerly Invitae), Labcorp
Classification: Uncertain significance. Last evaluated: 2022-06-05. Review status: criteria provided, single submitter. Criteria: Invitae Variant Classification Sherloc (09022015). Collection method: clinical testing. Allele origin: germline.
Comment: ClinVar contains an entry for this variant (Variation ID: 1510266). This variant has not been reported in the literature in individuals affected with PTPN23-related conditions. This variant is present in population databases (rs565230778, gnomAD 0.01%). This sequence change replaces arginine, which is basic and polar, with glutamine, which is neutral and polar, at codon 1595 of the PTPN23 protein (p.Arg1595Gln). Algorithms developed to predict the effect of missense changes on protein structure and function are either unavailable or do not agree on the potential impact of this missense change (SIFT: "Tolerated"; PolyPhen-2: "Not Available"; Align-GVGD: "Class C0"). Algorithms developed to predict the effect of sequence changes on RNA splicing suggest that this variant may create or strengthen a splice site. In summary, the available evidence is currently insufficient to determine the role of this variant in disease. Therefore, it has been classified as a Variant of Uncertain Significance.